The following is an entry in ClinVar:

NM_007055.4(POLR3A):c.3746A>T (p.Asn1249Ile)

Gene: POLR3A (RNA polymerase III subunit A; minus strand). Cytogenetic location: 10q22.3.
Variant type: single nucleotide variant.
Coding change: c.3746A>T on transcript NM_007055.4 (MANE Select); coding-DNA position 3746, A replaced by T.
Protein change: p.Asn1249Ile; replaces asparagine 1249 with isoleucine.
Molecular consequence: missense variant.
Genome position (GRCh38, 1-based): chr10:77,982,167, T>A on the plus strand (A>T on the coding strand, the complement: POLR3A is on the minus strand). VCF-style: chr10-77982167-T-A. GRCh37 (hg19) VCF-style: chr10-79741925-T-A.
Other names: short protein forms N1249I.
Identifiers: ClinVar variation 2754730 (VCV002754730.3), dbSNP rs898936234, ClinGen allele CA377327296.

ClinVar aggregate classification (germline): Uncertain significance (1 of 4 stars; one submission).

Submission:

Labcorp Genetics (formerly Invitae), Labcorp
Classification: Uncertain significance. Last evaluated: 2023-08-23. Review status: criteria provided, single submitter. Criteria: Invitae Variant Classification Sherloc (09022015). Collection method: clinical testing. Allele origin: germline.
Comment: This variant has not been reported in the literature in individuals affected with POLR3A-related conditions. Advanced modeling of protein sequence and biophysical properties (such as structural, functional, and spatial information, amino acid conservation, physicochemical variation, residue mobility, and thermodynamic stability) performed at Invitae indicates that this missense variant is expected to disrupt POLR3A protein function. In summary, the available evidence is currently insufficient to determine the role of this variant in disease. Therefore, it has been classified as a Variant of Uncertain Significance. This variant is not present in population databases (gnomAD no frequency). This sequence change replaces asparagine, which is neutral and polar, with isoleucine, which is neutral and non-polar, at codon 1249 of the POLR3A protein (p.Asn1249Ile).